The following is an entry in ClinVar:

ClinVar aggregate classification (germline): Uncertain significance (1 of 4 stars; one submission).

Submission:

GeneDx
Classification: Uncertain significance. Last evaluated: 2024-02-28. Review status: criteria provided, single submitter. Criteria: GeneDx Variant Classification Process June 2021. Collection method: clinical testing. Allele origin: germline. Affected: yes.
Comment: Not observed at significant frequency in large population cohorts (gnomAD); In silico analysis supports that this missense variant has a deleterious effect on protein structure/function; This variant is associated with the following publications: (PMID: 30167917, 9931324, 14744876)

NM_001368894.2(PAX6):c.97G>C (p.Ala33Pro)

Gene: PAX6 (paired box 6; minus strand). Cytogenetic location: 11p13.
Variant type: single nucleotide variant.
Coding change: c.97G>C on transcript NM_001368894.2 (MANE Select); coding-DNA position 97, G replaced by C.
Protein change: p.Ala33Pro; replaces alanine 33 with proline.
Molecular consequence: missense variant. On other transcripts: 5 prime UTR variant (12), non-coding transcript variant (2), intron variant (2).
Genome position (GRCh38, 1-based): chr11:31,802,748, C>G on the plus strand (G>C on the coding strand, the complement: PAX6 is on the minus strand). VCF-style: chr11-31802748-C-G. GRCh37 (hg19) VCF-style: chr11-31824296-C-G.
Other names: c.97G>C, p.Ala33Pro (NM_000280.6, NM_001127612.3, NM_001258462.3 and 30 more transcripts); c.-685G>C (NM_001310160.2, NM_001368905.2); c.-354G>C (NM_001310161.3, NM_001368900.2, NM_001368903.2 and 2 more transcripts); c.-312G>C (NM_001368899.2, NM_001368901.2, NM_001368906.2 and 1 more transcripts); c.-643G>C (NM_001368902.2); c.340G>C, p.Ala114Pro (NM_001368910.2); c.100G>C, p.Ala34Pro (NM_001368911.2); c.-267-972G>C (NM_001368909.2, NM_001368904.2); short protein forms A114P, A33P, A34P.
Identifiers: ClinVar variation 3340403 (VCV003340403.1).